The following is an entry in ClinVar:

NM_000051.4(ATM):c.2447C>T (p.Ala816Val)

Gene: ATM (ATM serine/threonine kinase; plus strand). Cytogenetic location: 11q22.3.
Variant type: single nucleotide variant.
Coding change: c.2447C>T on transcript NM_000051.4 (MANE Select); coding-DNA position 2447, C replaced by T.
Protein change: p.Ala816Val; replaces alanine 816 with valine.
Molecular consequence: missense variant.
Genome position (GRCh38, 1-based): chr11:108,259,056, C>T. VCF-style: chr11-108259056-C-T. GRCh37 (hg19) VCF-style: chr11-108129783-C-T.
Other names: c.2447C>T, p.Ala816Val (NM_001351834.2); short protein forms A816V.
Identifiers: ClinVar variation 3798494 (VCV003798494.1).

ClinVar aggregate classification (germline): Uncertain significance (1 of 4 stars; one submission).

Conditions:
Hereditary cancer-predisposing syndrome. Also called: Neoplastic Syndromes, Hereditary; Hereditary Cancer Syndrome; Tumor predisposition; Hereditary neoplastic syndrome. Identifiers: Orphanet 140162, MedGen C0027672, MeSH D009386, MONDO:0015356.

gnomAD v4.1: 4 of 1,613,208 alleles (0.00025%); highest among the groups gnomAD compares: Non-Finnish European, 0.00034%; no homozygotes.

Submission:

Ambry Genetics
Classification: Uncertain significance for Hereditary cancer-predisposing syndrome. Last evaluated: 2025-02-18. Review status: criteria provided, single submitter. Criteria: Ambry Variant Classification Scheme 2023. Collection method: clinical testing. Allele origin: germline.
Comment: The p.A816V variant (also known as c.2447C>T), located in coding exon 15 of the ATM gene, results from a C to T substitution at nucleotide position 2447. The alanine at codon 816 is replaced by valine, an amino acid with similar properties. This amino acid position is not well conserved in available vertebrate species. In addition, this alteration is predicted to be tolerated by in silico analysis. Based on the available evidence, the clinical significance of this variant remains unclear.